The following is an entry in ClinVar:

ClinVar aggregate classification (germline): Pathogenic (1 of 4 stars; one submission).

Conditions:
Mucopolysaccharidosis, MPS-IV-B (MPS4B). Also called: MORQUIO SYNDROME B; Mucopolysaccharidosis type IV B; Mucopolysaccharidosis Type IVB; Mucopolysaccharidosis type 4B; Mucopolysaccharidosis Type IVB (Morquio B Disease); Mucopolysaccharidosis type IVB (Morquio). Identifiers: Orphanet 309310, Orphanet 582, MedGen C0086652, MONDO:0009660, OMIM 253010.
GM1 gangliosidosis. Identifiers: Orphanet 354, MedGen C0085131, MONDO:0018149.

Submission:

Labcorp Genetics (formerly Invitae), Labcorp
Classification: Pathogenic for Mucopolysaccharidosis, MPS-IV-B; GM1 gangliosidosis. Last evaluated: 2024-03-01. Review status: criteria provided, single submitter. Criteria: Invitae Variant Classification Sherloc (09022015). Collection method: clinical testing. Allele origin: germline.
Comment: This sequence change creates a premature translational stop signal (p.Gln355*) in the GLB1 gene. It is expected to result in an absent or disrupted protein product. Loss-of-function variants in GLB1 are known to be pathogenic (PMID: 18524657). This variant is not present in population databases (gnomAD no frequency). This variant has not been reported in the literature in individuals affected with GLB1-related conditions. For these reasons, this variant has been classified as Pathogenic.

Literature cited by the submitters: PubMed 18524657.

NM_000404.4(GLB1):c.1063C>T (p.Gln355Ter)

Gene: GLB1 (galactosidase beta 1; minus strand). Cytogenetic location: 3p22.3.
Variant type: single nucleotide variant.
Coding change: c.1063C>T on transcript NM_000404.4 (MANE Select); coding-DNA position 1063, C replaced by T.
Protein change: p.Gln355Ter; replaces glutamine 355 with a stop codon.
Molecular consequence: nonsense.
Genome position (GRCh38, 1-based): chr3:33,046,125, G>A on the plus strand (C>T on the coding strand, the complement: GLB1 is on the minus strand). VCF-style: chr3-33046125-G-A. GRCh37 (hg19) VCF-style: chr3-33087617-G-A.
Other names: c.973C>T, p.Gln325Ter (NM_001079811.3); c.670C>T, p.Gln224Ter (NM_001135602.3); c.1207C>T, p.Gln403Ter (NM_001317040.2); c.1063C>T, p.Gln355Ter (NM_001393580.1); short protein forms Q224*, Q325*, Q355*, Q403*.
Identifiers: ClinVar variation 3749750 (VCV003749750.2).